The following is an entry in ClinVar:

NM_022124.6(CDH23):c.8022G>A (p.Gln2674=)

Genes: CDH23 (cadherin related 23; plus strand), LOC111982869 (Sharpr-MPRA regulatory region 2121; plus strand). Cytogenetic location: 10q22.1.
Variant type: single nucleotide variant.
Coding change: c.8022G>A on transcript NM_022124.6 (MANE Select); coding-DNA position 8022, G replaced by A.
Protein change: p.Gln2674=; no amino-acid change (glutamine 2674 retained).
Molecular consequence: synonymous variant. On other transcripts: genic upstream transcript variant (1).
Genome position (GRCh38, 1-based): chr10:71,805,955, G>A. VCF-style: chr10-71805955-G-A. GRCh37 (hg19) VCF-style: chr10-73565712-G-A.
Other names: p.Q2674Q:CAG>CAA; c.-6337G>A (NM_001171936.1); c.1302G>A, p.Gln434= (NM_001171933.1, NM_001171934.1).
Identifiers: ClinVar variation 46043 (VCV000046043.67), dbSNP rs201733315, ClinGen allele CA137587.

ClinVar aggregate classification (germline): Conflicting classifications of pathogenicity. Review status: criteria provided, conflicting classifications (1 of 4 stars). 10 submissions from 9 submitters: Uncertain significance (1); Benign (3); Likely benign (4). 2 of the submissions do not count toward it. Last evaluated 2026-07-01.

Conditions:
CDH23-related disorder. Also called: CDH23-related disorders; CDH23-related condition.
Usher syndrome type 1 (USH1). Also called: RETINITIS PIGMENTOSA AND CONGENITAL DEAFNESS. Identifiers: Orphanet 231169, Orphanet 886, MedGen C1568247, MONDO:0010168, OMIM 276900.
Usher syndrome type 1D (USH1D). Also called: USHER SYNDROME, TYPE ID. Identifiers: Orphanet 231169, Orphanet 886, MedGen C1832845, MONDO:0010984, OMIM 601067.
Autosomal recessive nonsyndromic hearing loss 12. Also called: DEAFNESS, AUTOSOMAL RECESSIVE 12. Identifiers: Orphanet 90636, MedGen C1832394, MONDO:0011067, OMIM 601386.

Allele frequency attached by ClinVar (database versions not stated): 1000 Genomes Project 30x 0.00219; 1000 Genomes Project 0.00220; gnomAD exomes 0.00530 and 0.00739; gnomAD 0.00523 and 0.00539; TOPMed 0.00490; ESP Exome Variant Server 0.00556; ExAC 0.00593.
gnomAD v4.1: 11,452 of 1,612,308 alleles (0.71%); highest among the groups gnomAD compares: Non-Finnish European, 0.86%; 37 homozygotes.

Submissions (10):

CeGaT Center for Human Genetics Tuebingen
Classification: Likely benign. Last evaluated: 2026-07-01. Review status: criteria provided, single submitter. Criteria: CeGaT Center For Human Genetics Tuebingen Variant Classification Criteria Version 2. Collection method: clinical testing. Allele origin: germline. Affected: yes. Observed: 22 variant alleles.
Comment: CDH23: BP4, BS2

Labcorp Genetics (formerly Invitae), Labcorp
Classification: Benign. Last evaluated: 2026-02-02. Review status: criteria provided, single submitter. Criteria: Invitae Variant Classification Sherloc (09022015). Collection method: clinical testing. Allele origin: germline.

Genome-Nilou Lab
Classification: Likely benign for Usher syndrome type 1D. Last evaluated: 2021-06-10. Review status: criteria provided, single submitter. Criteria: ACMG Guidelines, 2015. Collection method: clinical testing. Allele origin: germline. Affected: no.

Illumina Laboratory Services, Illumina
Classification: Likely benign for Usher syndrome type 1D. Last evaluated: 2018-01-13. Review status: criteria provided, single submitter. Criteria: ICSL Variant Classification Criteria 13 December 2019. Collection method: clinical testing. Allele origin: germline.
Comment: This variant was observed in the ICSL laboratory as part of a predisposition screen in an ostensibly healthy population. It had not been previously curated by ICSL or reported in the Human Gene Mutation Database (HGMD: prior to June 1st, 2018), and was therefore a candidate for classification through an automated scoring system. Utilizing variant allele frequency, disease prevalence and penetrance estimates, and inheritance mode, an automated score was calculated to assess if this variant is too frequent to cause the disease. Based on the score and internal cut-off values, a variant classified as likely benign is not then subjected to further curation. The score for this variant resulted in a classification of likely benign for this disease.

Illumina Laboratory Services, Illumina
Classification: Uncertain significance for Autosomal recessive nonsyndromic hearing loss 12. Last evaluated: 2018-01-13. Review status: criteria provided, single submitter. Criteria: ICSL Variant Classification Criteria 13 December 2019. Collection method: clinical testing. Allele origin: germline.

Eurofins Ntd Llc (ga)
Classification: Likely benign. Last evaluated: 2015-10-20. Review status: criteria provided, single submitter. Criteria: EGL Classification Definitions 2015. Collection method: clinical testing. Allele origin: germline. Observed: 3 variant alleles, 3 heterozygotes.

GeneDx
Classification: Benign. Last evaluated: 2014-01-28. Review status: criteria provided, single submitter. Criteria: GeneDx Variant Classification (06012015). Collection method: clinical testing. Allele origin: germline. Affected: yes.
Comment: This variant is considered likely benign or benign based on one or more of the following criteria: it is a conservative change, it occurs at a poorly conserved position in the protein, it is predicted to be benign by multiple in silico algorithms, and/or has population frequency not consistent with disease.

Laboratory for Molecular Medicine, Mass General Brigham Personalized Medicine
Classification: Benign. Last evaluated: 2012-05-14. Review status: criteria provided, single submitter. Criteria: LMM Criteria. Collection method: clinical testing. Allele origin: germline. Observed: 25 variant alleles.
Comment: Gln2674Gln in Exon 56 of CDH23: This variant is not expected to have clinical si gnificance because it does not alter an amino acid residue, is not located withi n the splice consensus sequence, and has been identified in 0.7% (50/6690) of Eu ropean American chromosomes from a broad population by the NHLBI Exome Sequencin g Project.

Natera, Inc.
Classification: Benign for Usher syndrome type 1. Last evaluated: 2020-09-16. Review status: no assertion criteria provided. Collection method: clinical testing. Allele origin: germline. Not counted in ClinVar's aggregate classification.

PreventionGenetics, part of Exact Sciences
Classification: Benign for CDH23-related condition. Last evaluated: 2019-07-23. Review status: no assertion criteria provided. Collection method: clinical testing. Allele origin: germline. Not counted in ClinVar's aggregate classification.
Comment: This variant is classified as benign based on ACMG/AMP sequence variant interpretation guidelines (Richards et al. 2015 PMID: 25741868, with internal and published modifications).